The following is an entry in ClinVar:

ClinVar aggregate classification (germline): Uncertain significance (1 of 4 stars; one submission).

Conditions:
Myofibrillar myopathy 3 (MFM3). Also called: Autosomal dominant spheroid body myopathy; Muscular dystrophy, proximal, type 1A. Identifiers: Orphanet 266, Orphanet 268129, MedGen C3714934, MONDO:0012215, OMIM 609200.

Submission:

Labcorp Genetics (formerly Invitae), Labcorp
Classification: Uncertain significance for Myofibrillar myopathy 3. Last evaluated: 2022-04-12. Review status: criteria provided, single submitter. Criteria: Invitae Variant Classification Sherloc (09022015). Collection method: clinical testing. Allele origin: germline.
Comment: In summary, the available evidence is currently insufficient to determine the role of this variant in disease. Therefore, it has been classified as a Variant of Uncertain Significance. Algorithms developed to predict the effect of sequence changes on RNA splicing suggest that this variant may create or strengthen a splice site. Algorithms developed to predict the effect of missense changes on protein structure and function (SIFT, PolyPhen-2, Align-GVGD) all suggest that this variant is likely to be tolerated. This missense change has been observed in individual(s) with clinical features of MYOT-related conditions (Invitae). This variant is not present in population databases (gnomAD no frequency). This sequence change replaces arginine, which is basic and polar, with glycine, which is neutral and non-polar, at codon 443 of the MYOT protein (p.Arg443Gly).

NM_006790.3(MYOT):c.1327C>G (p.Arg443Gly)

Genes: PKD2L2-DT (PKD2L2 divergent transcript; minus strand), MYOT (myotilin; plus strand). Cytogenetic location: 5q31.2.
Variant type: single nucleotide variant.
Coding change: c.1327C>G on transcript NM_006790.3 (MANE Select); coding-DNA position 1327, C replaced by G.
Protein change: p.Arg443Gly; replaces arginine 443 with glycine.
Molecular consequence: missense variant.
Genome position (GRCh38, 1-based): chr5:137,887,215, C>G. VCF-style: chr5-137887215-C-G. GRCh37 (hg19) VCF-style: chr5-137222904-C-G.
Other names: c.775C>G, p.Arg259Gly (NM_001135940.2); c.982C>G, p.Arg328Gly (NM_001300911.2); short protein forms R328G, R443G, R259G.
Identifiers: ClinVar variation 1954382 (VCV001954382.5), dbSNP rs192257955, ClinGen allele CA361056698.